The following is an entry in ClinVar:

ClinVar aggregate classification (germline): Likely pathogenic (1 of 4 stars; one submission).

Submission:

Baylor Genetics
Classification: Likely pathogenic. Last evaluated: 2018-11-01. Review status: criteria provided, single submitter. Criteria: ACMG CNV Guidelines, 2011. Collection method: clinical testing. Allele origin: paternal. Observed: 1 variant allele.

GRCh37/hg19 1q44(chr1:245341153-249212429)

Genes: AHCTF1 (AT-hook containing transcription factor 1; minus strand), CNST (consortin, connexin sorting protein; plus strand), GCSAML (germinal center associated signaling and motility like; plus strand), KIF26B (kinesin family member 26B; plus strand), LINC02897 (long intergenic non-protein coding RNA 2897; minus strand) and 55 more. Cytogenetic location: 1q44.
Variant type: copy number loss.
Identifiers: ClinVar variation 625535 (VCV000625535.1).